The following is an entry in ClinVar:

NM_002437.5(MPV17):c.26G>A (p.Arg9Gln)

Genes: MPV17 (mitochondrial inner membrane protein MPV17; minus strand), LOC129933372 (ATAC-STARR-seq lymphoblastoid active region 15495; plus strand). Cytogenetic location: 2p23.3.
Variant type: single nucleotide variant.
Coding change: c.26G>A on transcript NM_002437.5 (MANE Select); coding-DNA position 26, G replaced by A.
Protein change: p.Arg9Gln; replaces arginine 9 with glutamine.
Molecular consequence: missense variant.
Genome position (GRCh38, 1-based): chr2:27,322,492, C>T on the plus strand (G>A on the coding strand, the complement: MPV17 is on the minus strand). VCF-style: chr2-27322492-C-T. GRCh37 (hg19) VCF-style: chr2-27545359-C-T.
Other names: short protein forms R9Q.
Identifiers: ClinVar variation 1438571 (VCV001438571.3), dbSNP rs925530420, ClinGen allele CA44472963.

ClinVar aggregate classification (germline): Uncertain significance (1 of 4 stars; one submission).

Allele frequency attached by ClinVar (database versions not stated): gnomAD exomes below 0.00001; gnomAD 0.00001; TOPMed 0.00001.
gnomAD v4.1: 3 of 1,613,940 alleles (0.00019%); highest among the groups gnomAD compares: African/African-American, 0.0027%; no homozygotes.

Submission:

Labcorp Genetics (formerly Invitae), Labcorp
Classification: Uncertain significance. Last evaluated: 2021-12-03. Review status: criteria provided, single submitter. Criteria: Invitae Variant Classification Sherloc (09022015). Collection method: clinical testing. Allele origin: germline.
Comment: This sequence change replaces arginine, which is basic and polar, with glutamine, which is neutral and polar, at codon 9 of the MPV17 protein (p.Arg9Gln). The frequency data for this variant in the population databases is considered unreliable, as metrics indicate poor data quality at this position in the gnomAD database. This variant has not been reported in the literature in individuals affected with MPV17-related conditions. Advanced modeling of protein sequence and biophysical properties (such as structural, functional, and spatial information, amino acid conservation, physicochemical variation, residue mobility, and thermodynamic stability) performed at Invitae indicates that this missense variant is not expected to disrupt MPV17 protein function. Algorithms developed to predict the effect of sequence changes on RNA splicing suggest that this variant may create or strengthen a splice site. In summary, the available evidence is currently insufficient to determine the role of this variant in disease. Therefore, it has been classified as a Variant of Uncertain Significance.